The following is an entry in ClinVar:

NM_000512.5(GALNS):c.899G>T (p.Gly300Val)

Gene: GALNS (galactosamine (N-acetyl)-6-sulfatase; minus strand). Cytogenetic location: 16q24.3.
Variant type: single nucleotide variant.
Coding change: c.899G>T on transcript NM_000512.5 (MANE Select); coding-DNA position 899, G replaced by T.
Protein change: p.Gly300Val; replaces glycine 300 with valine.
Molecular consequence: missense variant.
Genome position (GRCh38, 1-based): chr16:88,832,101, C>A on the plus strand (G>T on the coding strand, the complement: GALNS is on the minus strand). VCF-style: chr16-88832101-C-A. GRCh37 (hg19) VCF-style: chr16-88898509-C-A.
Other names: c.344G>T, p.Gly115Val (NM_001323543.2); c.917G>T, p.Gly306Val (NM_001323544.2); short protein forms G115V, G300V, G306V.
Identifiers: ClinVar variation 1384087 (VCV001384087.7), dbSNP rs780778562, ClinGen allele CA8234909.

ClinVar aggregate classification (germline): Uncertain significance (1 of 4 stars; one submission).

Conditions:
Mucopolysaccharidosis, MPS-IV-A (MPS4A). Also called: Morquio syndrome A, mild; MORQUIO SYNDROME A; GALACTOSAMINE-6-SULFATASE DEFICIENCY; GALNS DEFICIENCY; MORQUIO A DISEASE; Mucopolysaccharidosis type IV A. Identifiers: Orphanet 309297, Orphanet 582, MedGen C0086651, MONDO:0009659, OMIM 253000.

Allele frequency attached by ClinVar (database versions not stated): gnomAD exomes below 0.00001; ExAC 0.00001; gnomAD 0.00001; 1000 Genomes Project 30x 0.00016.
gnomAD v4.1: 2 of 1,613,450 alleles (0.00012%); highest among the groups gnomAD compares: South Asian, 0.0011%; no homozygotes.

Submissions (2):

Labcorp Genetics (formerly Invitae), Labcorp
Classification: Uncertain significance for Mucopolysaccharidosis, MPS-IV-A. Last evaluated: 2022-07-26. Review status: criteria provided, single submitter. Criteria: Invitae Variant Classification Sherloc (09022015). Collection method: clinical testing. Allele origin: germline.
Comment: This sequence change replaces glycine, which is neutral and non-polar, with valine, which is neutral and non-polar, at codon 300 of the GALNS protein (p.Gly300Val). In summary, the available evidence is currently insufficient to determine the role of this variant in disease. Therefore, it has been classified as a Variant of Uncertain Significance. Algorithms developed to predict the effect of sequence changes on RNA splicing suggest that this variant may disrupt the consensus splice site. Algorithms developed to predict the effect of missense changes on protein structure and function are either unavailable or do not agree on the potential impact of this missense change (SIFT: "Tolerated"; PolyPhen-2: "Possibly Damaging"; Align-GVGD: "Class C0"). ClinVar contains an entry for this variant (Variation ID: 1384087). This variant has not been reported in the literature in individuals affected with GALNS-related conditions. The frequency data for this variant in the population databases is considered unreliable, as metrics indicate poor data quality at this position in the gnomAD database.

Dr. Peter K. Rogan Lab, Western University
No classification provided (evidence only). Condition: Malignant tumor of esophagus. Review status: no classification provided. Collection method: in vitro. Allele origin: not applicable. Functional consequence: retained intron. Not counted in ClinVar's aggregate classification.